The following is an entry in ClinVar:

ClinVar aggregate classification (germline): Likely benign. Review status: criteria provided, multiple submitters, no conflicts (2 of 4 stars). 2 submissions from 2 submitters: Likely benign (2). Last evaluated 2025-09-29.

Conditions:
COG5-congenital disorder of glycosylation. Also called: CONGENITAL DISORDER OF GLYCOSYLATION, TYPE IIi; CDG IIi; COG5-CDG. Identifiers: Orphanet 263487, MedGen C3150876, MONDO:0013325, OMIM 613612.

gnomAD v4.1: 207 of 1,569,190 alleles (0.013%); highest among the groups gnomAD compares: Non-Finnish European, 0.017%; no homozygotes.

Submissions (2):

Labcorp Genetics (formerly Invitae), Labcorp
Classification: Likely benign for COG5-congenital disorder of glycosylation. Last evaluated: 2025-09-29. Review status: criteria provided, single submitter. Criteria: Invitae Variant Classification Sherloc (09022015). Collection method: clinical testing. Allele origin: germline.

GeneDx
Classification: Likely benign. Last evaluated: 2016-05-03. Review status: criteria provided, single submitter. Criteria: GeneDx Variant Classification (06012015). Collection method: clinical testing. Allele origin: germline. Affected: yes.
Comment: This variant is considered likely benign or benign based on one or more of the following criteria: it is a conservative change, it occurs at a poorly conserved position in the protein, it is predicted to be benign by multiple in silico algorithms, and/or has population frequency not consistent with disease.

NM_006348.5(COG5):c.1302G>A (p.Lys434=)

Gene: COG5 (component of oligomeric golgi complex 5; minus strand). Cytogenetic location: 7q22.3.
Variant type: single nucleotide variant.
Coding change: c.1302G>A on transcript NM_006348.5 (MANE Select); coding-DNA position 1302, G replaced by A.
Protein change: p.Lys434=; no amino-acid change (lysine 434 retained).
Molecular consequence: synonymous variant.
Genome position (GRCh38, 1-based): chr7:107,298,153, C>T on the plus strand (G>A on the coding strand, the complement: COG5 is on the minus strand). VCF-style: chr7-107298153-C-T. GRCh37 (hg19) VCF-style: chr7-106938598-C-T.
Other names: c.1302G>A, p.Lys434= (NM_181733.4, NM_001161520.2, NM_001379511.1 and 3 more transcripts); c.732G>A, p.Lys244= (NM_001379515.1); c.588G>A, p.Lys196= (NM_001379516.1).
Identifiers: ClinVar variation 385425 (VCV000385425.10), dbSNP rs200021706, ClinGen allele CA4430958.